The following is an entry in ClinVar:

ClinVar aggregate classification (germline): Uncertain significance (1 of 4 stars; one submission).

Allele frequency attached by ClinVar (database versions not stated): gnomAD exomes below 0.00001.
gnomAD v4.1: 4 of 1,602,970 alleles (0.00025%); highest among the groups gnomAD compares: East Asian, 0.0045%; no homozygotes.

Submission:

Labcorp Genetics (formerly Invitae), Labcorp
Classification: Uncertain significance. Last evaluated: 2022-06-25. Review status: criteria provided, single submitter. Criteria: Invitae Variant Classification Sherloc (09022015). Collection method: clinical testing. Allele origin: germline.
Comment: In summary, the available evidence is currently insufficient to determine the role of this variant in disease. Therefore, it has been classified as a Variant of Uncertain Significance. Algorithms developed to predict the effect of missense changes on protein structure and function (SIFT, PolyPhen-2, Align-GVGD) all suggest that this variant is likely to be tolerated. This variant has not been reported in the literature in individuals affected with RPL15-related conditions. This variant is present in population databases (no rsID available, gnomAD 0.0009%). This sequence change replaces threonine, which is neutral and polar, with serine, which is neutral and polar, at codon 148 of the RPL15 protein (p.Thr148Ser).

NM_002948.5(RPL15):c.443C>G (p.Thr148Ser)

Genes: NKIRAS1 (NFKB inhibitor interacting Ras like 1; minus strand), RPL15 (ribosomal protein L15; plus strand). Cytogenetic location: 3p24.2.
Variant type: single nucleotide variant.
Coding change: c.443C>G on transcript NM_002948.5 (MANE Select); coding-DNA position 443, C replaced by G.
Protein change: p.Thr148Ser; replaces threonine 148 with serine.
Molecular consequence: missense variant. On other transcripts: intron variant (2).
Genome position (GRCh38, 1-based): chr3:23,919,329, C>G. VCF-style: chr3-23919329-C-G. GRCh37 (hg19) VCF-style: chr3-23960820-C-G.
Other names: c.443C>G, p.Thr148Ser (NM_001253379.2, NM_001253380.2, NM_001253382.2 and 1 more transcripts); c.-139-7879G>C (NM_001377380.1); c.360+83C>G (NM_001253384.2); short protein forms T148S.
Identifiers: ClinVar variation 1369224 (VCV001369224.8), dbSNP rs1352583583, ClinGen allele CA351882340.